The following is an entry in ClinVar:

ClinVar aggregate classification (germline): Likely pathogenic (0 of 4 stars; one submission).

Conditions:
Intellectual disability, Neurodevelopmental defects and Developmental delay with 46,XY gonadal dysgenesis.

Allele frequency attached by ClinVar (database versions not stated): gnomAD exomes below 0.00001; TOPMed below 0.00001; gnomAD 0.00001.
gnomAD v4.1: 2 of 1,613,888 alleles (0.00012%); highest among the groups gnomAD compares: Non-Finnish European, 0.000085%; no homozygotes.

Submission:

Reproductive Development, Murdoch Childrens Research Institute
Classification: Likely pathogenic for Intellectual disability, Neurodevelopmental defects and Developmental delay with 46,XY gonadal dysgenesis. Last evaluated: 2023-03-06. Review status: no assertion criteria provided. Collection method: research. Allele origin: maternal. Inheritance: Autosomal recessive inheritance. Affected: yes. Observed: 1 variant allele.
Comment: It was identified as part of a larger study that has found biallelic variants in SART3 in nine children from six families with overlapping clinical features. The variant falls in a highly conserved residue within an important HAT protein domain. The variant is extremely rare or absent in population databases.

Literature cited by the submitters: PubMed 37296101.

NM_014706.4(SART3):c.1477C>T (p.Arg493Trp)

Gene: SART3 (spliceosome associated factor 3, U4/U6 recycling protein; minus strand). Cytogenetic location: 12q23.3.
Variant type: single nucleotide variant.
Coding change: c.1477C>T on transcript NM_014706.4 (MANE Select); coding-DNA position 1477, C replaced by T.
Protein change: p.Arg493Trp; replaces arginine 493 with tryptophan.
Molecular consequence: missense variant.
Genome position (GRCh38, 1-based): chr12:108,535,438, G>A on the plus strand (C>T on the coding strand, the complement: SART3 is on the minus strand). VCF-style: chr12-108535438-G-A. GRCh37 (hg19) VCF-style: chr12-108929214-G-A.
Other names: c.1531C>T, p.Arg511Trp (NM_001410983.1); short protein forms R493W, R511W.
Identifiers: ClinVar variation 2444509 (VCV002444509.1), dbSNP rs1377925264, ClinGen allele CA386439962.